The following is an entry in ClinVar:

NM_004793.4(LONP1):c.261G>T (p.Glu87Asp)

Gene: LONP1 (lon peptidase 1, mitochondrial; minus strand). Cytogenetic location: 19p13.3.
Variant type: single nucleotide variant.
Coding change: c.261G>T on transcript NM_004793.4 (MANE Select); coding-DNA position 261, G replaced by T.
Protein change: p.Glu87Asp; replaces glutamic acid 87 with aspartic acid.
Molecular consequence: missense variant. On other transcripts: intron variant (2).
Genome position (GRCh38, 1-based): chr19:5,719,872, C>A on the plus strand (G>T on the coding strand, the complement: LONP1 is on the minus strand). VCF-style: chr19-5719872-C-A. GRCh37 (hg19) VCF-style: chr19-5719883-C-A.
Other names: c.-160+347G>T (NM_001276480.1); c.125-56G>T (NM_001276479.2); short protein forms E87D.
Identifiers: ClinVar variation 777384 (VCV000777384.15), dbSNP rs34413649, ClinGen allele CA9115201.

ClinVar aggregate classification (germline): Benign/Likely benign. Review status: criteria provided, multiple submitters, no conflicts (2 of 4 stars). 4 submissions from 4 submitters: Benign (1); Likely benign (2). 1 of the submissions does not count toward it. Last evaluated 2026-01-28.

Conditions:
LONP1-related disorder. Also called: LONP1-related disorders; LONP1-related condition.

Allele frequency attached by ClinVar (database versions not stated): ExAC 0.00305; ESP Exome Variant Server 0.00649; 1000 Genomes Project 30x 0.01202; gnomAD 0.00724; TOPMed 0.00898; 1000 Genomes Project 0.01098.
gnomAD v4.1: 2,370 of 1,588,508 alleles (0.15%); highest among the groups gnomAD compares: African/African-American, 2.7%; 29 homozygotes.

Submissions (4):

Labcorp Genetics (formerly Invitae), Labcorp
Classification: Benign. Last evaluated: 2026-01-28. Review status: criteria provided, single submitter. Criteria: Invitae Variant Classification Sherloc (09022015). Collection method: clinical testing. Allele origin: germline.

GeneDx
Classification: Likely benign. Last evaluated: 2019-08-16. Review status: criteria provided, single submitter. Criteria: GeneDx Variant Classification Process June 2021. Collection method: clinical testing. Allele origin: germline. Affected: yes.

Breakthrough Genomics
Classification: Likely benign. Review status: criteria provided, single submitter. Criteria: ACMG Guidelines, 2015. Collection method: not provided. Allele origin: germline. Inheritance: Autosomal recessive inheritance. Affected: yes.

PreventionGenetics, part of Exact Sciences
Classification: Benign for LONP1-related condition. Last evaluated: 2019-03-22. Review status: no assertion criteria provided. Collection method: clinical testing. Allele origin: germline. Not counted in ClinVar's aggregate classification.
Comment: This variant is classified as benign based on ACMG/AMP sequence variant interpretation guidelines (Richards et al. 2015 PMID: 25741868, with internal and published modifications).